The following is an entry in ClinVar:

ClinVar aggregate classification (germline): Uncertain significance (1 of 4 stars; one submission).

Conditions:
Cardiovascular phenotype. Identifiers: MedGen CN230736.

Submission:

Ambry Genetics
Classification: Uncertain significance for Cardiovascular phenotype. Last evaluated: 2024-10-24. Review status: criteria provided, single submitter. Criteria: Ambry Variant Classification Scheme 2023. Collection method: clinical testing. Allele origin: germline.
Comment: The p.N1591Y variant (also known as c.4771A>T), located in coding exon 31 of the MYH6 gene, results from an A to T substitution at nucleotide position 4771. The asparagine at codon 1591 is replaced by tyrosine, an amino acid with dissimilar properties. This amino acid position is conserved. In addition, this alteration is predicted to be deleterious by in silico analysis. Based on the available evidence, the clinical significance of this variant remains unclear.

NM_002471.4(MYH6):c.4771A>T (p.Asn1591Tyr)

Genes: MYH6 (myosin heavy chain 6; minus strand), LOC126861896 (BRD4-independent group 4 enhancer GRCh37_chr14:23854904-23856103; plus strand). Cytogenetic location: 14q11.2.
Variant type: single nucleotide variant.
Coding change: c.4771A>T on transcript NM_002471.4 (MANE Select); coding-DNA position 4771, A replaced by T.
Protein change: p.Asn1591Tyr; replaces asparagine 1591 with tyrosine.
Molecular consequence: missense variant.
Genome position (GRCh38, 1-based): chr14:23,386,503, T>A on the plus strand (A>T on the coding strand, the complement: MYH6 is on the minus strand). VCF-style: chr14-23386503-T-A. GRCh37 (hg19) VCF-style: chr14-23855712-T-A.
Other names: short protein forms N1591Y.
Identifiers: ClinVar variation 3400876 (VCV003400876.1).